The following is an entry in ClinVar:

ClinVar aggregate classification (germline): Uncertain significance (1 of 4 stars; one submission).

Submission:

Laboratory for Molecular Medicine, Mass General Brigham Personalized Medicine
Classification: Uncertain significance. Last evaluated: 2014-05-20. Review status: criteria provided, single submitter. Criteria: LMM Criteria. Collection method: clinical testing. Allele origin: germline. Observed: 1 variant allele.
Comment: The Lys385Gln variant in JUP has not been previously reported in individuals wit h cardiomyopathy or in large population studies. Computational prediction tools and conservation analysis do not provide strong support for or against an impact to the protein. In summary, the clinical significance of the Lys385Gln variant is uncertain.

NM_002230.4(JUP):c.1153A>C (p.Lys385Gln)

Gene: JUP (junction plakoglobin; minus strand). Cytogenetic location: 17q21.2.
Variant type: single nucleotide variant.
Coding change: c.1153A>C on transcript NM_002230.4 (MANE Select); coding-DNA position 1153, A replaced by C.
Protein change: p.Lys385Gln; replaces lysine 385 with glutamine.
Molecular consequence: missense variant.
Genome position (GRCh38, 1-based): chr17:41,764,718, T>G on the plus strand (A>C on the coding strand, the complement: JUP is on the minus strand). VCF-style: chr17-41764718-T-G. GRCh37 (hg19) VCF-style: chr17-39920970-T-G.
Other names: c.1153A>C, p.Lys385Gln (NM_001352773.2, NM_001352774.2, NM_001352775.2 and 3 more transcripts); short protein forms K385Q.
Identifiers: ClinVar variation 179798 (VCV000179798.4), dbSNP rs727505135, ClinGen allele CA185158.
Genomic context (GRCh38, chr17:41,764,718, plus strand): 5'-GAGGCTGGATGGGGCAGCTGAAGAGGTCAACCCCAGGCCCAGATACCTCCCTCACCTGCT[T>G]GGTGGCCACATCTGAGAGGTTGCGCAGGGTCCACAGGCAGTTCTGCACCAGGCGGGGGCT-3'
Protein context (NP_002221.1, residues 375-395): TLRNLSDVAT[Lys385Gln]QEGLESVLKI